The following is an entry in ClinVar:

Single allele

Genes: C21orf91 (chromosome 21 open reading frame 91; minus strand), BTG3 (BTG anti-proliferation factor 3; minus strand), BTG3-AS1 (BTG3 antisense RNA 1; plus strand), C21orf91-OT1 (C21orf91 overlapping transcript 1; minus strand), CHODL (chondrolectin; plus strand) and 43 more. Cytogenetic location: 21q21.1.
Variant type: Deletion.
Identifiers: ClinVar variation 1696614 (VCV001696614.1).

ClinVar aggregate classification (germline): Uncertain significance (1 of 4 stars; one submission).

Submission:

New York Genome Center
Classification: Uncertain significance. Last evaluated: 2021-08-20. Review status: criteria provided, single submitter. Criteria: NYGC Assertion Criteria 2020. Collection method: clinical testing. Allele origin: germline. Observed: 1 variant allele, 1 mosaic individual. Study: CSER-NYCKidSeq.
Comment: The 21q21.1 mosaic deletion identified here is absent from gnomAD SVs(v2.1.1) and the Database of Genomic Variants (DGV) suggesting it is not a common benign variant in the populations represented in that database. While larger deletions and partially overlapping deletions have been reported in ClinVar, neither this exact deletion, nor a smaller deletion completely contained within it have been reported. This exact deletion has not been reported in the literature, although larger or partially overlapping deletions in this region were identified in individuals with variable phenotypes including developmental delay, intellectual disability, autism and seizures [PMID:25464110, 27625702]. Given the lack of compelling evidence for its pathogenicity, the 21q21.1 mosaic deletion identified here is reported as a Variant of Uncertain Significance.